The following is an entry in ClinVar:

ClinVar aggregate classification (germline): Uncertain significance. Review status: criteria provided, multiple submitters, no conflicts (2 of 4 stars). 3 submissions from 3 submitters: Uncertain significance (3). Last evaluated 2026-02-01.

Conditions:
RAPH BLOOD GROUP SYSTEM. Also called: MER2 BLOOD CELL ANTIGEN EXPRESSION. Identifiers: MedGen C1867341, OMIM 179620.
Epidermolysis bullosa simplex 7, with nephropathy and deafness. Also called: Nephrotic syndrome - deafness - pretibial epidermolysis bullosa syndrome; Nephropathy with Pretibial Epidermolysis Bullosa and Deafness. Identifiers: Orphanet 300333, MedGen C1836823, MONDO:0012190, OMIM 609057.
Inborn genetic diseases. Identifiers: MedGen C0950123, MeSH D030342.

Allele frequency attached by ClinVar (database versions not stated): gnomAD exomes below 0.00001; TOPMed 0.00001.
gnomAD v4.1: 1 of 1,613,066 alleles (0.000062%); highest among the groups gnomAD compares: Non-Finnish European, 0.000085%; no homozygotes.

Submissions (3):

Labcorp Genetics (formerly Invitae), Labcorp
Classification: Uncertain significance. Last evaluated: 2026-02-01. Review status: criteria provided, single submitter. Criteria: Invitae Variant Classification Sherloc (09022015). Collection method: clinical testing. Allele origin: germline.
Comment: This sequence change replaces proline, which is neutral and non-polar, with serine, which is neutral and polar, at codon 181 of the CD151 protein (p.Pro181Ser). This variant is not present in population databases (gnomAD no frequency). This variant has not been reported in the literature in individuals affected with CD151-related conditions. ClinVar contains an entry for this variant (Variation ID: 1943752). An algorithm developed to predict the effect of missense changes on protein structure and function (PolyPhen-2) suggests that this variant is likely to be disruptive. In summary, the available evidence is currently insufficient to determine the role of this variant in disease. Therefore, it has been classified as a Variant of Uncertain Significance.

Ambry Genetics
Classification: Uncertain significance for Inborn genetic diseases. Last evaluated: 2025-08-21. Review status: criteria provided, single submitter. Criteria: Ambry Variant Classification Scheme 2023. Collection method: clinical testing. Allele origin: germline.

Fulgent Genetics
Classification: Uncertain significance for RAPH BLOOD GROUP SYSTEM; Epidermolysis bullosa simplex 7, with nephropathy and deafness. Last evaluated: 2024-05-18. Review status: criteria provided, single submitter. Criteria: ACMG Guidelines, 2015. Collection method: clinical testing. Allele origin: germline.

NM_004357.5(CD151):c.541C>T (p.Pro181Ser)

Gene: CD151 (CD151 molecule (Raph blood group); plus strand). Cytogenetic location: 11p15.5.
Variant type: single nucleotide variant.
Coding change: c.541C>T on transcript NM_004357.5 (MANE Select); coding-DNA position 541, C replaced by T.
Protein change: p.Pro181Ser; replaces proline 181 with serine.
Molecular consequence: missense variant.
Genome position (GRCh38, 1-based): chr11:837,544, C>T. VCF-style: chr11-837544-C-T. GRCh37 (hg19) VCF-style: chr11-837544-C-T.
Other names: c.541C>T, p.Pro181Ser (NM_001039490.2, NM_139029.2, NM_139030.4); c.541C>T (NM_004357.4); short protein forms P181S.
Identifiers: ClinVar variation 1943752 (VCV001943752.7), dbSNP rs1846822053, ClinGen allele CA378995663.
Genomic context (GRCh38, chr11:837,544, plus strand): 5'-TCACAGGACTGGCGAGACAGTGAGTGGATCCGCTCACAGGAGGCCGGTGGCCGTGTGGTC[C>T]CAGACAGCTGCTGCAAGACGGTGGTGGCTCTTTGTGGGCAGCGAGACCATGCCTCCAACA-3'
Protein context (NP_004348.2, residues 171-191): RSQEAGGRVV[Pro181Ser]DSCCKTVVAL